The following is an entry in ClinVar:

NM_031433.4(MFRP):c.405C>T (p.Gly135=)

Genes: C1QTNF5 (C1q and TNF related 5; minus strand), MFRP (membrane frizzled-related protein; minus strand). Cytogenetic location: 11q23.3.
Variant type: single nucleotide variant.
Coding change: c.405C>T on transcript NM_031433.4 (MANE Select); coding-DNA position 405, C replaced by T.
Protein change: p.Gly135=; no amino-acid change (glycine 135 retained).
Molecular consequence: synonymous variant. On other transcripts: 5 prime UTR variant (1).
Genome position (GRCh38, 1-based): chr11:119,345,795, G>A on the plus strand (C>T on the coding strand, the complement: MFRP is on the minus strand). VCF-style: chr11-119345795-G-A. GRCh37 (hg19) VCF-style: chr11-119216505-G-A.
Other names: c.-2232C>T (NM_015645.5).
Identifiers: ClinVar variation 1511478 (VCV001511478.4), dbSNP rs780717889, ClinGen allele CA6320586.

ClinVar aggregate classification (germline): Uncertain significance (1 of 4 stars; one submission).

Conditions:
Isolated microphthalmia 5. Also called: Posterior Microphthalmia with Retinitis Pigmentosa, Foveoschisis, and Optic Disc Drusen. Identifiers: Orphanet 251279, MedGen C1970236, MONDO:0012605, OMIM 611040.

Allele frequency attached by ClinVar (database versions not stated): gnomAD exomes 0.00001 and 0.00002; TOPMed 0.00002; ExAC 0.00002.
gnomAD v4.1: 18 of 1,613,774 alleles (0.0011%); highest among the groups gnomAD compares: Admixed American, 0.0017%; no homozygotes.

Submission:

Labcorp Genetics (formerly Invitae), Labcorp
Classification: Uncertain significance for Isolated microphthalmia 5. Last evaluated: 2025-09-10. Review status: criteria provided, single submitter. Criteria: Invitae Variant Classification Sherloc (09022015). Collection method: clinical testing. Allele origin: germline.
Comment: This sequence change affects codon 135 of the MFRP mRNA. It is a 'silent' change, meaning that it does not change the encoded amino acid sequence of the MFRP protein. This variant is present in population databases (rs780717889, gnomAD 0.006%). This variant has not been reported in the literature in individuals affected with MFRP-related conditions. ClinVar contains an entry for this variant (Variation ID: 1511478). Algorithms developed to predict the effect of sequence changes on RNA splicing suggest that this variant may create or strengthen a splice site. In summary, the available evidence is currently insufficient to determine the role of this variant in disease. Therefore, it has been classified as a Variant of Uncertain Significance.